The following is an entry in ClinVar:

ClinVar aggregate classification (germline): Benign (1 of 4 stars; one submission).

Conditions:
Familial cancer of breast. Also called: Hereditary breast cancer; hereditary breast carcinoma; BREAST CANCER, FAMILIAL. Identifiers: Orphanet 227535, MedGen C0346153, MONDO:0016419, OMIM 114480. Disease mechanism: loss of function.

Submission:

Myriad Genetics, Inc.
Classification: Benign for Familial cancer of breast. Last evaluated: 2025-01-13. Review status: criteria provided, single submitter. Criteria: Myriad Autosomal Dominant, Autosomal Recessive and X-Linked Classification Criteria (2023). Collection method: clinical testing. Allele origin: unknown.
Comment: This variant is considered benign. This variant is a silent/synonymous amino acid change and it is not expected to impact splicing.

NM_024675.4(PALB2):c.1002C>T (p.Tyr334=)

Gene: PALB2 (partner and localizer of BRCA2; minus strand). Cytogenetic location: 16p12.2.
Variant type: single nucleotide variant.
Coding change: c.1002C>T on transcript NM_024675.4 (MANE Select); coding-DNA position 1002, C replaced by T.
Protein change: p.Tyr334=; no amino-acid change (tyrosine 334 retained).
Molecular consequence: synonymous variant. On other transcripts: intron variant (3).
Genome position (GRCh38, 1-based): chr16:23,635,544, G>A on the plus strand (C>T on the coding strand, the complement: PALB2 is on the minus strand). VCF-style: chr16-23635544-G-A. GRCh37 (hg19) VCF-style: chr16-23646865-G-A.
Other names: c.942C>T, p.Tyr314= (NM_001407296.1); c.1002C>T, p.Tyr334= (NM_001407297.1, NM_001407298.1, NM_001407299.1 and 3 more transcripts); c.117C>T, p.Tyr39= (NM_001407304.1, NM_001407305.1, NM_001407306.1 and 5 more transcripts); c.48+5566C>T (NM_001407314.1); c.-104-5075C>T (NM_001407313.1, NM_001407312.1).
Identifiers: ClinVar variation 3904036 (VCV003904036.1).
Genomic context (GRCh38, chr16:23,635,544, plus strand): 5'-AGATTTCTCTGTTTGATTTTGTTCTTTTAAGTTTTGGTTTTCATTTGCTGGTAAGTTATT[G>A]TAGGTGAGTTCATTTAGAGAACATGAAATATTTGCCTCTAAATTAGAACTTGTGGGCAGT-3'
Protein context (NP_078951.2, residues 324-344): NISCSLNELT[Tyr334=]NNLPANENQN